The following is an entry in ClinVar:

ClinVar aggregate classification (germline): Pathogenic. Review status: criteria provided, multiple submitters, no conflicts (2 of 4 stars). 5 submissions from 5 submitters: Pathogenic (4). 1 of the submissions does not count toward it. Last evaluated 2025-04-16.

Conditions:
Hereditary cancer-predisposing syndrome. Also called: Tumor predisposition; Hereditary Cancer Syndrome; Hereditary neoplastic syndrome; Neoplastic Syndromes, Hereditary. Identifiers: Orphanet 140162, MedGen C0027672, MeSH D009386, MONDO:0015356.
Tuberous sclerosis syndrome (TSC). Also called: Tuberous Sclerosis Complex; Tuberous sclerosis. Identifiers: Orphanet 805, MedGen C0041341, MONDO:0001734.
Tuberous sclerosis 1 (TSC1). Identifiers: Orphanet 805, MedGen C1854465, MONDO:0008612, OMIM 191100.

Submissions (5):

GeneDx
Classification: Pathogenic. Last evaluated: 2025-04-16. Review status: criteria provided, single submitter. Criteria: GeneDx Variant Classification Process June 2021. Collection method: clinical testing. Allele origin: germline. Affected: yes.
Comment: Identified in patients with clinical features of tuberous sclerosis complex referred for genetic testing at GeneDx and in published literature (PMID: 10533069); Frameshift variant predicted to result in protein truncation or nonsense mediated decay in a gene for which loss of function is a known mechanism of disease; Not observed at significant frequency in large population cohorts (gnomAD); Also known as 1270_1271delAG; This variant is associated with the following publications: (PMID: 31440721, 34926809, 10533069)

Labcorp Genetics (formerly Invitae), Labcorp
Classification: Pathogenic for Tuberous sclerosis 1. Last evaluated: 2024-03-05. Review status: criteria provided, single submitter. Criteria: Invitae Variant Classification Sherloc (09022015). Collection method: clinical testing. Allele origin: germline.
Comment: This sequence change creates a premature translational stop signal (p.Arg424Asnfs*17) in the TSC1 gene. It is expected to result in an absent or disrupted protein product. Loss-of-function variants in TSC1 are known to be pathogenic (PMID: 10227394, 17304050). This variant is not present in population databases (gnomAD no frequency). This premature translational stop signal has been observed in individual(s) with tuberous sclerosis (PMID: 10533069). This variant is also known as 1270_1271delAG. ClinVar contains an entry for this variant (Variation ID: 48756). For these reasons, this variant has been classified as Pathogenic.

Myriad Genetics, Inc.
Classification: Pathogenic for Tuberous sclerosis 1. Last evaluated: 2024-02-21. Review status: criteria provided, single submitter. Criteria: Myriad Autosomal Dominant, Autosomal Recessive and X-Linked Classification Criteria (2023). Collection method: clinical testing. Allele origin: unknown.
Comment: This variant is considered pathogenic. This variant creates a frameshift predicted to result in premature protein truncation.

Ambry Genetics
Classification: Pathogenic for Hereditary cancer-predisposing syndrome. Last evaluated: 2022-04-30. Review status: criteria provided, single submitter. Criteria: Ambry Variant Classification Scheme 2023. Collection method: clinical testing. Allele origin: germline.
Comment: The c.1271_1272delGA pathogenic mutation, located in coding exon 11 of the TSC1 gene, results from a deletion of two nucleotides at nucleotide positions 1271 to 1272, causing a translational frameshift with a predicted alternate stop codon (p.R424Nfs*17). This alteration was described in one individual with features of tuberous sclerosis (B&eacute;nit P et al. Hum Mutat, 1999;14:428-32). This variant is considered to be rare based on population cohorts in the Genome Aggregation Database (gnomAD). This alteration is expected to result in loss of function by premature protein truncation or nonsense-mediated mRNA decay. As such, this alteration is interpreted as a disease-causing mutation.

Tuberous sclerosis database (TSC1)
No classification provided. Condition: TSC. Review status: no classification provided. Criteria: Tuberous Sclerosis Database Assertion Criteria 2015. Collection method: curation. Allele origin: germline. Affected: yes. Not counted in ClinVar's aggregate classification.

Literature cited by the submitters: PubMed 10227394 (cited by Labcorp Genetics (formerly Invitae), Labcorp); PubMed 17304050 (cited by Labcorp Genetics (formerly Invitae), Labcorp); PubMed 10533069 (cited by Labcorp Genetics (formerly Invitae), Labcorp and Ambry Genetics).

NM_000368.5(TSC1):c.1271_1272del (p.Arg424fs)

Gene: TSC1 (TSC complex subunit 1; minus strand). Cytogenetic location: 9q34.13.
Variant type: Microsatellite.
Coding change: c.1271_1272del on transcript NM_000368.5 (MANE Select); coding-DNA positions 1271 to 1272, 2 bases deleted (GA; older notation c.1271_1272delGA).
Protein change: p.Arg424fs; shifts the reading frame from arginine 424.
Molecular consequence: frameshift variant.
Genome position (GRCh38, 1-based): chr9:132,907,362-132,907,363, TC deleted on the plus strand (GA on the coding strand, the reverse complement: TSC1 is on the minus strand); deleting any 2 consecutive bases within chr9:132,907,362-132,907,368 gives the same sequence; the c. name uses the placement nearest the transcript's 3' end. VCF-style (leftmost placement, unchanged base first): chr9-132907361-TTC-T. GRCh37 (hg19) VCF-style: chr9-135782748-TTC-T.
Other names: c.1268_1269del, p.Arg423fs (NM_001162426.2); c.1118_1119del, p.Arg373fs (NM_001162427.2); c.908_909del, p.Arg303fs (NM_001362177.2); c.1271_1272delGA (NM_000368.4); short protein forms R373fs, R424fs, R303fs, R423fs.
Identifiers: ClinVar variation 48756 (VCV000048756.14), dbSNP rs118203509, ClinGen allele CA004574.